The following is an entry in ClinVar:

NM_001365088.1(SLC12A6):c.259G>A (p.Asp87Asn)

Gene: SLC12A6 (solute carrier family 12 member 6; minus strand). Cytogenetic location: 15q14.
Variant type: single nucleotide variant.
Coding change: c.259G>A on transcript NM_001365088.1 (MANE Select); coding-DNA position 259, G replaced by A.
Protein change: p.Asp87Asn; replaces aspartic acid 87 with asparagine.
Molecular consequence: missense variant.
Genome position (GRCh38, 1-based): chr15:34,336,422, C>T on the plus strand (G>A on the coding strand, the complement: SLC12A6 is on the minus strand). VCF-style: chr15-34336422-C-T. GRCh37 (hg19) VCF-style: chr15-34628623-C-T.
Other names: c.82G>A, p.Asp28Asn (NM_001042494.2, NM_001042495.2); c.232G>A, p.Asp78Asn (NM_001042496.2); c.259G>A, p.Asp87Asn (NM_001042497.2, NM_133647.2); short protein forms D28N, D87N, D78N.
Identifiers: ClinVar variation 2067146 (VCV002067146.5), dbSNP rs200288608, ClinGen allele CA7464684.
Genomic context (GRCh38, chr15:34,336,422, plus strand): 5'-TAAAGAACCCAGTAATGAAAGTATGCTGCGGTCTGTGTTTCTACTTACCCTCGATGACAT[C>T]CTGGGGGTGAGAAGTCCGGTCACTGGGTGGATCCAGTGCAACAGTTGCCAGCGAAGTGGT-3'
Protein context (NP_001352017.1, residues 77-97): PPSDRTSHPQ[Asp87Asn]VIEDLSQNSI

ClinVar aggregate classification (germline): Uncertain significance. Review status: criteria provided, multiple submitters, no conflicts (2 of 4 stars). 3 submissions from 3 submitters: Uncertain significance (3). Last evaluated 2026-01-20.

Allele frequency attached by ClinVar (database versions not stated): gnomAD 0.00003; ExAC 0.00005; ESP Exome Variant Server 0.00008.
gnomAD v4.1: 49 of 1,613,754 alleles (0.003%); highest among the groups gnomAD compares: Middle Eastern, 0.033%; no homozygotes.

Submissions (3):

Labcorp Genetics (formerly Invitae), Labcorp
Classification: Uncertain significance. Last evaluated: 2026-01-20. Review status: criteria provided, single submitter. Criteria: Invitae Variant Classification Sherloc (09022015). Collection method: clinical testing. Allele origin: germline.
Comment: This sequence change replaces aspartic acid, which is acidic and polar, with asparagine, which is neutral and polar, at codon 87 of the SLC12A6 protein (p.Asp87Asn). This variant is present in population databases (rs200288608, gnomAD 0.01%). This variant has not been reported in the literature in individuals affected with SLC12A6-related conditions. ClinVar contains an entry for this variant (Variation ID: 2067146). Invitae Evidence Modeling of protein sequence and biophysical properties (such as structural, functional, and spatial information, amino acid conservation, physicochemical variation, residue mobility, and thermodynamic stability) indicates that this missense variant is not expected to disrupt SLC12A6 protein function with a negative predictive value of 95%. In summary, the available evidence is currently insufficient to determine the role of this variant in disease. Therefore, it has been classified as a Variant of Uncertain Significance.

Blueprint Genetics
Classification: Uncertain significance. Last evaluated: 2024-09-05. Review status: criteria provided, single submitter. Criteria: ACMG Guidelines, 2015. Collection method: clinical testing. Allele origin: germline.

GeneDx
Classification: Uncertain significance. Last evaluated: 2024-01-11. Review status: criteria provided, single submitter. Criteria: GeneDx Variant Classification Process June 2021. Collection method: clinical testing. Allele origin: germline. Affected: yes.
Comment: In silico analysis supports that this missense variant has a deleterious effect on protein structure/function; Has not been previously published as pathogenic or benign to our knowledge